The following is an entry in ClinVar:

ClinVar aggregate classification (germline): Uncertain significance. Review status: criteria provided, multiple submitters, no conflicts (2 of 4 stars). 3 submissions from 3 submitters: Uncertain significance (3). Last evaluated 2026-01-02.

Conditions:
Hereditary nonpolyposis colorectal neoplasms. Identifiers: MedGen C0009405, MeSH D003123.
Hereditary cancer-predisposing syndrome. Also called: Neoplastic Syndromes, Hereditary; Hereditary Cancer Syndrome; Hereditary neoplastic syndrome; Tumor predisposition. Identifiers: Orphanet 140162, MedGen C0027672, MeSH D009386, MONDO:0015356.

gnomAD v4.1: 1 of 1,606,388 alleles (0.000062%); highest among the groups gnomAD compares: Non-Finnish European, 0.000085%; no homozygotes.

Submissions (3):

Labcorp Genetics (formerly Invitae), Labcorp
Classification: Uncertain significance for Hereditary nonpolyposis colorectal neoplasms. Last evaluated: 2026-01-02. Review status: criteria provided, single submitter. Criteria: Invitae Variant Classification Sherloc (09022015). Collection method: clinical testing. Allele origin: germline.
Comment: This sequence change replaces lysine, which is basic and polar, with asparagine, which is neutral and polar, at codon 706 of the PMS2 protein (p.Lys706Asn). The frequency data for this variant in the population databases (gnomAD) is considered unreliable due to the presence of homologous sequence, such as pseudogenes or paralogs, in the genome. This variant has not been reported in the literature in individuals affected with PMS2-related conditions. ClinVar contains an entry for this variant (Variation ID: 933246). Invitae Evidence Modeling incorporating data from in vitro experimental studies (internal data) indicates that this missense variant is not expected to disrupt PMS2 function with a negative predictive value of 95%. In summary, the available evidence is currently insufficient to determine the role of this variant in disease. Therefore, it has been classified as a Variant of Uncertain Significance.

Ambry Genetics
Classification: Uncertain significance for Hereditary cancer-predisposing syndrome. Last evaluated: 2024-04-25. Review status: criteria provided, single submitter. Criteria: Ambry Variant Classification Scheme 2023. Collection method: clinical testing. Allele origin: germline.
Comment: The p.K706N variant (also known as c.2118G>C), located in coding exon 12 of the PMS2 gene, results from a G to C substitution at nucleotide position 2118. The lysine at codon 706 is replaced by asparagine, an amino acid with similar properties. This amino acid position is highly conserved in available vertebrate species. In addition, the in silico prediction for this alteration is inconclusive. Since supporting evidence is limited at this time, the clinical significance of this alteration remains unclear.

GeneDx
Classification: Uncertain significance. Last evaluated: 2019-08-05. Review status: criteria provided, single submitter. Criteria: GeneDx Variant Classification Process June 2021. Collection method: clinical testing. Allele origin: germline. Affected: yes.
Comment: Not observed in large population cohorts (Lek et al., 2016); In silico analysis, which includes protein predictors and evolutionary conservation, supports a deleterious effect; Has not been previously published as pathogenic or benign to our knowledge

NM_000535.7(PMS2):c.2118G>C (p.Lys706Asn)

Gene: PMS2 (PMS1 homolog 2, mismatch repair system component; minus strand). Cytogenetic location: 7p22.1.
Variant type: single nucleotide variant.
Coding change: c.2118G>C on transcript NM_000535.7 (MANE Select); coding-DNA position 2118, G replaced by C.
Protein change: p.Lys706Asn; replaces lysine 706 with asparagine.
Molecular consequence: missense variant. On other transcripts: non-coding transcript variant (1).
Genome position (GRCh38, 1-based): chr7:5,982,880, C>G on the plus strand (G>C on the coding strand, the complement: PMS2 is on the minus strand). VCF-style: chr7-5982880-C-G. GRCh37 (hg19) VCF-style: chr7-6022511-C-G.
Other names: c.1713G>C, p.Lys571Asn (NM_001322003.2, NM_001322004.2, NM_001322005.2 and 1 more transcripts); c.1962G>C, p.Lys654Asn (NM_001322006.2); c.1800G>C, p.Lys600Asn (NM_001322007.2, NM_001322008.2); c.1557G>C, p.Lys519Asn (NM_001322010.2); c.1185G>C, p.Lys395Asn (NM_001322011.2, NM_001322012.2); c.1545G>C, p.Lys515Asn (NM_001322013.2); c.2118G>C, p.Lys706Asn (NM_001322014.2); c.1809G>C, p.Lys603Asn (NM_001322015.2); short protein forms K395N, K706N, K600N, K603N, K515N, K571N, K654N, K519N.
Identifiers: ClinVar variation 933246 (VCV000933246.14), dbSNP rs776238286, ClinGen allele CA366737958.